The following is an entry in ClinVar:

NM_000135.4(FANCA):c.1676A>G (p.Glu559Gly)

Gene: FANCA (FA complementation group A; minus strand). Cytogenetic location: 16q24.3.
Variant type: single nucleotide variant.
Coding change: c.1676A>G on transcript NM_000135.4 (MANE Select); coding-DNA position 1676, A replaced by G.
Protein change: p.Glu559Gly; replaces glutamic acid 559 with glycine.
Molecular consequence: missense variant.
Genome position (GRCh38, 1-based): chr16:89,779,908, T>C on the plus strand (A>G on the coding strand, the complement: FANCA is on the minus strand). VCF-style: chr16-89779908-T-C. GRCh37 (hg19) VCF-style: chr16-89846316-T-C.
Other names: c.1676A>G (LRG_495t1); c.1676A>G, p.Glu559Gly (NM_001286167.3); short protein forms E559G.
Identifiers: ClinVar variation 526361 (VCV000526361.5), dbSNP rs753229112, ClinGen allele CA8252176.

ClinVar aggregate classification (germline): Uncertain significance. Review status: criteria provided, single submitter (1 of 4 stars). 2 submissions from 2 submitters: Uncertain significance (1). 1 of the submissions does not count toward it. Last evaluated 2024-09-30.

Conditions:
Fanconi anemia (FA). Also called: Fanconi's anemia. Identifiers: Orphanet 84, MedGen C0015625, MeSH D005199, MONDO:0019391.
Fanconi anemia complementation group A (FANCA). Also called: FANCA-Related Fanconi Anemia; Fanconi anemia, group A. Identifiers: Orphanet 84, MedGen C3469521, MONDO:0009215, OMIM 227650.

Allele frequency attached by ClinVar (database versions not stated): ExAC 0.00001; gnomAD exomes 0.00001 and 0.00004; gnomAD 0.00002; TOPMed 0.00002.
gnomAD v4.1: 55 of 1,613,940 alleles (0.0034%); highest among the groups gnomAD compares: Non-Finnish European, 0.0046%; no homozygotes.

Submissions (2):

Labcorp Genetics (formerly Invitae), Labcorp
Classification: Uncertain significance for Fanconi anemia. Last evaluated: 2024-09-30. Review status: criteria provided, single submitter. Criteria: Invitae Variant Classification Sherloc (09022015). Collection method: clinical testing. Allele origin: germline.
Comment: This sequence change replaces glutamic acid, which is acidic and polar, with glycine, which is neutral and non-polar, at codon 559 of the FANCA protein (p.Glu559Gly). This variant is present in population databases (rs753229112, gnomAD 0.003%). This variant has not been reported in the literature in individuals affected with FANCA-related conditions. ClinVar contains an entry for this variant (Variation ID: 526361). Invitae Evidence Modeling of protein sequence and biophysical properties (such as structural, functional, and spatial information, amino acid conservation, physicochemical variation, residue mobility, and thermodynamic stability) indicates that this missense variant is expected to disrupt FANCA protein function with a positive predictive value of 80%. In summary, the available evidence is currently insufficient to determine the role of this variant in disease. Therefore, it has been classified as a Variant of Uncertain Significance.

Natera, Inc.
Classification: Uncertain significance for Fanconi anemia, group A. Last evaluated: 2019-10-28. Review status: no assertion criteria provided. Collection method: clinical testing. Allele origin: germline. Not counted in ClinVar's aggregate classification.